The following is an entry in ClinVar:

ClinVar aggregate classification (germline): Uncertain significance (1 of 4 stars; one submission).

Submission:

Women's Health and Genetics/Laboratory Corporation of America, LabCorp
Classification: Uncertain significance. Last evaluated: 2025-01-13. Review status: criteria provided, single submitter. Criteria: LabCorp Variant Classification Summary - May 2015. Collection method: clinical testing. Allele origin: germline.
Comment: Variant summary: The variant involves the duplication of exons 1-7 in the CHRNA2 gene. A presumed nomenclature of c.(?_-575)_(*1874_?)dup has been designated for the purposes of this classification. This duplication includes the entire coding sequence of the gene. As exact breakpoints are unknown, it may extend beyond the annotated region of the gene, to include other flanking genes. The frequency of this variant in the general population could not be determined as the technology used for large population databases (ExAC, gnomAD, ESP, 1000G) cannot detect variants of this type. The available data on variant occurrences in the general population are insufficient to allow any conclusion about variant significance. To our knowledge, no occurrence of c.(?_-575)_(*1874_?)dup in individuals affected with Autosomal Dominant Nocturnal Frontal Lobe Epilepsy 4 and no experimental evidence demonstrating its impact on protein function have been reported. No submitters have cited clinical-significance assessments for this variant to ClinVar. Based on the evidence outlined above, the variant was classified as uncertain significance.

NC_000008.10:g.(?_27317272)_(27336779_?)dup

Gene: CHRNA2 (cholinergic receptor nicotinic alpha 2 subunit; minus strand). Cytogenetic location: 8p21.2.
Variant type: Duplication.
Identifiers: ClinVar variation 3769129 (VCV003769129.2).